The following is an entry in ClinVar:

NM_000321.3(RB1):c.2428A>T (p.Lys810Ter)

Gene: RB1 (RB transcriptional corepressor 1; plus strand). Cytogenetic location: 13q14.2.
Variant type: single nucleotide variant.
Coding change: c.2428A>T on transcript NM_000321.3 (MANE Select); coding-DNA position 2428, A replaced by T.
Protein change: p.Lys810Ter; replaces lysine 810 with a stop codon.
Molecular consequence: nonsense.
Genome position (GRCh38, 1-based): chr13:48,465,307, A>T. VCF-style: chr13-48465307-A-T. GRCh37 (hg19) VCF-style: chr13-49039443-A-T.
Other names: short protein forms K810*.
Identifiers: ClinVar variation 944310 (VCV000944310.9), dbSNP rs1949433250, ClinGen allele CA388167959.

ClinVar aggregate classification (germline): Pathogenic (1 of 4 stars; one submission).

Conditions:
Retinoblastoma (RB1). Also called: RETINOBLASTOMA, SOMATIC. Identifiers: Orphanet 790, MedGen C0035335, MeSH D012175, MONDO:0008380, OMIM 180200, HP:0009919. Disease mechanism: loss of function. Inheritance: Both sporadic and heritable forms are tested..

Submission:

Labcorp Genetics (formerly Invitae), Labcorp
Classification: Pathogenic for Retinoblastoma. Last evaluated: 2019-07-09. Review status: criteria provided, single submitter. Criteria: Invitae Variant Classification Sherloc (09022015). Collection method: clinical testing. Allele origin: germline.
Comment: This sequence change creates a premature translational stop signal (p.Lys810*) in the RB1 gene. It is expected to result in an absent or disrupted protein product. This variant is not present in population databases (ExAC no frequency). This variant has been reported in individuals in the Leiden Open-source Variation Database (PMID: 21520333). Loss-of-function variants in RB1 are known to be pathogenic (PMID: 17096365). For these reasons, this variant has been classified as Pathogenic.

Literature cited by the submitters: PubMed 21520333; PubMed 17096365.